The following is an entry in ClinVar:

NM_001134407.3(GRIN2A):c.3190A>G (p.Thr1064Ala)

Gene: GRIN2A (glutamate ionotropic receptor NMDA type subunit 2A; minus strand). Cytogenetic location: 16p13.2.
Variant type: single nucleotide variant.
Coding change: c.3190A>G on transcript NM_001134407.3 (MANE Select); coding-DNA position 3190, A replaced by G.
Protein change: p.Thr1064Ala; replaces threonine 1064 with alanine.
Molecular consequence: missense variant.
Genome position (GRCh38, 1-based): chr16:9,764,354, T>C on the plus strand (A>G on the coding strand, the complement: GRIN2A is on the minus strand). VCF-style: chr16-9764354-T-C. GRCh37 (hg19) VCF-style: chr16-9858211-T-C.
Other names: p.T1064A:ACG>GCG; c.3190A>G, p.Thr1064Ala (NM_000833.5, NM_001134408.2); short protein forms T1064A.
Identifiers: ClinVar variation 205693 (VCV000205693.66), dbSNP rs138809301, ClinGen allele CA315017.

ClinVar aggregate classification (germline): Benign/Likely benign. Review status: criteria provided, multiple submitters, no conflicts (2 of 4 stars). 10 submissions from 10 submitters: Benign (2); Likely benign (5). 3 of the submissions do not count toward it. Last evaluated 2026-03-01.

Conditions:
GRIN2A-related complex neurodevelopmental disorder. Also called: GRIN2A-related disorder; GRIN2A-related condition. Identifiers: MedGen CN379781, MONDO:1060139.
Inborn genetic diseases. Identifiers: MedGen C0950123, MeSH D030342.
Landau-Kleffner syndrome (FESD). Also called: APHASIA, ACQUIRED, WITH EPILEPSY; EPILEPSY, FOCAL, WITH SPEECH DISORDER AND WITH OR WITHOUT MENTAL RETARDATION. Identifiers: Orphanet 1945, Orphanet 725, Orphanet 98818, MedGen C0282512, MONDO:0009509, OMIM 245570.

Allele frequency attached by ClinVar (database versions not stated): TOPMed 0.00048; gnomAD 0.00054 and 0.00055; ESP Exome Variant Server 0.00085.
gnomAD v4.1: 600 of 1,614,042 alleles (0.037%); highest among the groups gnomAD compares: Admixed American, 0.057%; 2 homozygotes.

Submissions (10):

CeGaT Center for Human Genetics Tuebingen
Classification: Likely benign. Last evaluated: 2026-03-01. Review status: criteria provided, single submitter. Criteria: CeGaT Center For Human Genetics Tuebingen Variant Classification Criteria Version 2. Collection method: clinical testing. Allele origin: germline. Affected: yes. Observed: 17 variant alleles.
Comment: GRIN2A: BP4, BS1

Labcorp Genetics (formerly Invitae), Labcorp
Classification: Likely benign for Landau-Kleffner syndrome. Last evaluated: 2026-01-15. Review status: criteria provided, single submitter. Criteria: Invitae Variant Classification Sherloc (09022015). Collection method: clinical testing. Allele origin: germline.

Blueprint Genetics
Classification: Likely benign. Last evaluated: 2024-10-28. Review status: criteria provided, single submitter. Criteria: ACMG Guidelines, 2015. Collection method: clinical testing. Allele origin: germline.

Ambry Genetics
Classification: Likely benign for Inborn genetic diseases. Last evaluated: 2021-07-26. Review status: criteria provided, single submitter. Criteria: Ambry Variant Classification Scheme 2023. Collection method: clinical testing. Allele origin: germline.

Illumina Laboratory Services, Illumina
Classification: Benign for Landau-Kleffner syndrome. Last evaluated: 2018-01-12. Review status: criteria provided, single submitter. Criteria: ICSL Variant Classification Criteria 13 December 2019. Collection method: clinical testing. Allele origin: germline.
Comment: This variant was observed in the ICSL laboratory as part of a predisposition screen in an ostensibly healthy population. It had not been previously curated by ICSL or reported in the Human Gene Mutation Database (HGMD: prior to June 1st, 2018), and was therefore a candidate for classification through an automated scoring system. Utilizing variant allele frequency, disease prevalence and penetrance estimates, and inheritance mode, an automated score was calculated to assess if this variant is too frequent to cause the disease. Based on the score and internal cut-off values, a variant classified as benign is not then subjected to further curation. The score for this variant resulted in a classification of benign for this disease.

GeneDx
Classification: Benign. Last evaluated: 2017-11-28. Review status: criteria provided, single submitter. Criteria: GeneDx Variant Classification (06012015). Collection method: clinical testing. Allele origin: germline. Affected: yes.
Comment: This variant is considered likely benign or benign based on one or more of the following criteria: it is a conservative change, it occurs at a poorly conserved position in the protein, it is predicted to be benign by multiple in silico algorithms, and/or has population frequency not consistent with disease.

Genetic Services Laboratory, University of Chicago
Classification: Likely benign. Last evaluated: 2015-12-30. Review status: criteria provided, single submitter. Criteria: ACMG Guidelines, 2015. Collection method: clinical testing. Allele origin: germline. Affected: no.

PreventionGenetics, part of Exact Sciences
Classification: Likely benign for GRIN2A-related condition. Last evaluated: 2022-02-17. Review status: no assertion criteria provided. Collection method: clinical testing. Allele origin: germline. Not counted in ClinVar's aggregate classification.
Comment: This variant is classified as likely benign based on ACMG/AMP sequence variant interpretation guidelines (Richards et al. 2015 PMID: 25741868, with internal and published modifications).

Clinical Genetics DNA and cytogenetics Diagnostics Lab, Erasmus MC, Erasmus Medical Center
Classification: Likely benign. Review status: no assertion criteria provided. Collection method: clinical testing. Allele origin: germline. Affected: yes. Study: VKGL Data-share Consensus. Not counted in ClinVar's aggregate classification.

Genome Diagnostics Laboratory, University Medical Center Utrecht
Classification: Likely benign. Review status: no assertion criteria provided. Collection method: clinical testing. Allele origin: germline. Affected: yes. Study: VKGL Data-share Consensus. Not counted in ClinVar's aggregate classification.